The following is an entry in ClinVar:

ClinVar aggregate classification (germline): Uncertain significance (1 of 4 stars; one submission).

Submission:

Labcorp Genetics (formerly Invitae), Labcorp
Classification: Uncertain significance. Last evaluated: 2025-01-18. Review status: criteria provided, single submitter. Criteria: Invitae Variant Classification Sherloc (09022015). Collection method: clinical testing. Allele origin: germline.
Comment: This sequence change replaces aspartic acid, which is acidic and polar, with histidine, which is basic and polar, at codon 1052 of the ADAMTS17 protein (p.Asp1052His). This variant is not present in population databases (gnomAD no frequency). This variant has not been reported in the literature in individuals affected with ADAMTS17-related conditions. An algorithm developed to predict the effect of missense changes on protein structure and function (PolyPhen-2) suggests that this variant is likely to be disruptive. In summary, the available evidence is currently insufficient to determine the role of this variant in disease. Therefore, it has been classified as a Variant of Uncertain Significance.

NM_139057.4(ADAMTS17):c.3154G>C (p.Asp1052His)

Gene: ADAMTS17 (ADAM metallopeptidase with thrombospondin type 1 motif 17; minus strand). Cytogenetic location: 15q26.3.
Variant type: single nucleotide variant.
Coding change: c.3154G>C on transcript NM_139057.4 (MANE Select); coding-DNA position 3154, G replaced by C.
Protein change: p.Asp1052His; replaces aspartic acid 1052 with histidine.
Molecular consequence: missense variant.
Genome position (GRCh38, 1-based): chr15:99,974,536, C>G on the plus strand (G>C on the coding strand, the complement: ADAMTS17 is on the minus strand). VCF-style: chr15-99974536-C-G. GRCh37 (hg19) VCF-style: chr15-100514741-C-G.
Other names: short protein forms D1052H.
Identifiers: ClinVar variation 3729137 (VCV003729137.2).